The following is an entry in ClinVar:

ClinVar aggregate classification (germline): Uncertain significance (1 of 4 stars; one submission).

Conditions:
Seizures, benign familial infantile, 3 (BFIS3). Also called: CONVULSIONS, BENIGN FAMILIAL INFANTILE, 3; Familial neonatal seizures. Identifiers: Orphanet 140927, Orphanet 306, MedGen C1843140, MONDO:0011904, OMIM 607745.
Developmental and epileptic encephalopathy, 11 (DEE11). Also called: Early infantile epileptic encephalopathy 11. Identifiers: Orphanet 1934, MedGen C3150987, MONDO:0013388, OMIM 613721.

gnomAD v4.1: 1 of 1,614,102 alleles (0.000062%); highest among the groups gnomAD compares: Non-Finnish European, 0.000085%; no homozygotes.

Submission:

Labcorp Genetics (formerly Invitae), Labcorp
Classification: Uncertain significance for Seizures, benign familial infantile, 3; Developmental and epileptic encephalopathy, 11. Last evaluated: 2022-11-19. Review status: criteria provided, single submitter. Criteria: Invitae Variant Classification Sherloc (09022015). Collection method: clinical testing. Allele origin: germline.
Comment: In summary, the available evidence is currently insufficient to determine the role of this variant in disease. Therefore, it has been classified as a Variant of Uncertain Significance. Advanced modeling of protein sequence and biophysical properties (such as structural, functional, and spatial information, amino acid conservation, physicochemical variation, residue mobility, and thermodynamic stability) performed at Invitae indicates that this missense variant is not expected to disrupt SCN2A protein function. This variant has not been reported in the literature in individuals affected with SCN2A-related conditions. This variant is not present in population databases (gnomAD no frequency). This sequence change replaces arginine, which is basic and polar, with glycine, which is neutral and non-polar, at codon 522 of the SCN2A protein (p.Arg522Gly).

NM_001040142.2(SCN2A):c.1564A>G (p.Arg522Gly)

Gene: SCN2A (sodium voltage-gated channel alpha subunit 2; plus strand). Cytogenetic location: 2q24.3.
Variant type: single nucleotide variant.
Coding change: c.1564A>G on transcript NM_001040142.2 (MANE Select); coding-DNA position 1564, A replaced by G.
Protein change: p.Arg522Gly; replaces arginine 522 with glycine.
Molecular consequence: missense variant.
Genome position (GRCh38, 1-based): chr2:165,315,651, A>G. VCF-style: chr2-165315651-A-G. GRCh37 (hg19) VCF-style: chr2-166172161-A-G.
Other names: c.1564A>G, p.Arg522Gly (NM_001040143.2, NM_001371246.1, NM_001371247.1 and 1 more transcripts); short protein forms R522G.
Identifiers: ClinVar variation 2941668 (VCV002941668.3), dbSNP rs1553569745, ClinGen allele CA349023606.